The following is an entry in ClinVar:

ClinVar aggregate classification (germline): Pathogenic (1 of 4 stars; one submission).

Conditions:
Weaver syndrome (WVS). Also called: Weaver Smith syndrome; Overgrowth syndrome with accelerated skeletal maturation, unusual facies, and camptodactyly. Identifiers: Orphanet 3447, MedGen C0265210, MONDO:0010193, OMIM 277590.

Submission:

Institute of Human Genetics, University of Leipzig Medical Center
Classification: Pathogenic for Weaver syndrome. Last evaluated: 2019-07-26. Review status: criteria provided, single submitter. Criteria: ACMG Guidelines, 2015. Collection method: clinical testing. Allele origin: de novo. Affected: yes. Observed: 1 variant allele.
Comment: This variant was identified as de novo (maternity and paternity confirmed).

NM_004456.5(EZH2):c.2235A>T (p.Glu745Asp)

Gene: EZH2 (enhancer of zeste 2 polycomb repressive complex 2 subunit; minus strand). Cytogenetic location: 7q36.1.
Variant type: single nucleotide variant.
Coding change: c.2235A>T on transcript NM_004456.5 (MANE Select); coding-DNA position 2235, A replaced by T.
Protein change: p.Glu745Asp; replaces glutamic acid 745 with aspartic acid.
Molecular consequence: missense variant.
Genome position (GRCh38, 1-based): chr7:148,807,667, T>A on the plus strand (A>T on the coding strand, the complement: EZH2 is on the minus strand). VCF-style: chr7-148807667-T-A. GRCh37 (hg19) VCF-style: chr7-148504759-T-A.
Other names: c.2220A>T, p.Glu740Asp (NM_001203247.2); c.2193A>T, p.Glu731Asp (NM_001203248.2); c.2067A>T, p.Glu689Asp (NM_001203249.2); c.2103A>T, p.Glu701Asp (NM_152998.3); short protein forms E689D, E701D, E731D, E740D, E745D.
Identifiers: ClinVar variation 975993 (VCV000975993.1), dbSNP rs1563181538, ClinGen allele CA369711777.